The following is an entry in ClinVar:

ClinVar aggregate classification (germline): Uncertain significance (1 of 4 stars; one submission).

Conditions:
Ehlers-Danlos syndrome, classic type, 1 (EDSCL1). Also called: EDS I; EHLERS-DANLOS SYNDROME, GRAVIS TYPE; EHLERS-DANLOS SYNDROME, SEVERE CLASSIC TYPE; Ehlers-Danlos syndrome, type 1; Ehlers-Danlos Syndrome, Classic Type, COL5A1-Related. Identifiers: MedGen C0268335, MONDO:0019567, OMIM 130000.

Submission:

Labcorp Genetics (formerly Invitae), Labcorp
Classification: Uncertain significance for Ehlers-Danlos syndrome, classic type, 1. Last evaluated: 2025-12-30. Review status: criteria provided, single submitter. Criteria: Invitae Variant Classification Sherloc (09022015). Collection method: clinical testing. Allele origin: germline.
Comment: This sequence change replaces glycine, which is neutral and non-polar, with arginine, which is basic and polar, at codon 1125 of the COL5A2 protein (p.Gly1125Arg). This variant is not present in population databases (gnomAD no frequency). This missense change has been observed in individuals with clinical features of COL5A2-related conditions (internal data). ClinVar contains an entry for this variant (Variation ID: 2900626). Invitae Evidence Modeling of protein sequence and biophysical properties (such as structural, functional, and spatial information, amino acid conservation, physicochemical variation, residue mobility, and thermodynamic stability) indicates that this missense variant is expected to disrupt COL5A2 protein function with a positive predictive value of 80%. In summary, the available evidence is currently insufficient to determine the role of this variant in disease. Therefore, it has been classified as a Variant of Uncertain Significance.

NM_000393.5(COL5A2):c.3373G>C (p.Gly1125Arg)

Gene: COL5A2 (collagen type V alpha 2 chain; minus strand). Cytogenetic location: 2q32.2.
Variant type: single nucleotide variant.
Coding change: c.3373G>C on transcript NM_000393.5 (MANE Select); coding-DNA position 3373, G replaced by C.
Protein change: p.Gly1125Arg; replaces glycine 1125 with arginine.
Molecular consequence: missense variant.
Genome position (GRCh38, 1-based): chr2:189,043,249, C>G on the plus strand (G>C on the coding strand, the complement: COL5A2 is on the minus strand). VCF-style: chr2-189043249-C-G. GRCh37 (hg19) VCF-style: chr2-189907975-C-G.
Other names: short protein forms G1125R.
Identifiers: ClinVar variation 2900626 (VCV002900626.3), dbSNP rs151187317, ClinGen allele CA349861090.